The following is an entry in ClinVar:

ClinVar aggregate classification (germline): Likely pathogenic (1 of 4 stars; one submission).

Conditions:
Menkes kinky-hair syndrome (MNK). Also called: Copper transport disease; Classic Menkes Disease; Menkes Disease. Identifiers: Orphanet 565, MedGen C0022716, MONDO:0010651, OMIM 309400.

Submission:

Myriad Genetics, Inc.
Classification: Likely pathogenic for Menkes kinky-hair syndrome. Last evaluated: 2022-03-31. Review status: criteria provided, single submitter. Criteria: Myriad Autosomal Dominant, Autosomal Recessive and X-Linked Classification Criteria (2023). Collection method: clinical testing. Allele origin: unknown.
Comment: NM_000052.5(ATP7A):c.319_320ins11(L107Yfs*6) is expected to be pathogenic in the context of ATP7A-related disorders. This variant is predicted to lead to an abnormal or absent protein product due to the creation of a premature termination codon in ATP7A, a gene where loss-of-function variants are known to be pathogenic. Please note: this variant was assessed in the context of healthy population screening.

NM_000052.7(ATP7A):c.319_320insACTGTCTCTTA (p.Leu107fs)

Gene: ATP7A (ATPase copper transporting alpha; plus strand). Cytogenetic location: Xq21.1.
Variant type: Insertion.
Coding change: c.319_320insACTGTCTCTTA on transcript NM_000052.7 (MANE Select); coding-DNA positions 319 to 320, ACTGTCTCTTA inserted.
Protein change: p.Leu107fs; shifts the reading frame from leucine 107.
Molecular consequence: frameshift variant.
Genome position: GRCh38 VCF-style: chrX-77988440-T-TACTGTCTCTTA. GRCh37 (hg19) VCF-style: chrX-77243936-T-TACTGTCTCTTA.
Other names: c.319_320insACTGTCTCTTA, p.Leu107fs (NM_001282224.2); short protein forms L107fs.
Identifiers: ClinVar variation 1725727 (VCV001725727.3), dbSNP rs2522289553, ClinGen allele CA2580101432.